The following is an entry in ClinVar:

ClinVar aggregate classification (germline): Pathogenic (0 of 4 stars; one submission).

Conditions:
Endometrial carcinoma. Also called: Endometrial carcinoma, somatic. Identifiers: MedGen C0476089, MONDO:0002447, OMIM 608089, HP:0012114.

Submission:

Department of Pathology and Laboratory Medicine, Sinai Health System
Classification: Pathogenic for Endometrial carcinoma. Review status: no assertion criteria provided. Collection method: clinical testing. Allele origin: unknown. Affected: yes. Study: The Canadian Open Genetics Repository (COGR).
Comment: The p.Leu729Serfs*3 variant was not identified in the literature nor was identified in the GeneInsight, HGMD, COSMIC, Mut, MMR, InSiGHT Colon Cancer and ClinVar databases. No information is provided for evolutionary conservation of the residue and computational pathogenicity prediction of the variant. The p.Leu729Serfs*3 deletion variant is predicted to cause a frameshift, which alters the proteinâ€šÃ„Ã´s amino acid sequence beginning at codon 729 and leads to a premature stop codon at position 732. In summary, based on the above information this variant meets our laboratory's criteria to be classified as pathogenic.

NM_000535.7(PMS2):c.2184del (p.Leu729fs)

Gene: PMS2 (PMS1 homolog 2, mismatch repair system component; minus strand). Cytogenetic location: 7p22.1.
Variant type: Deletion.
Coding change: c.2184del on transcript NM_000535.7 (MANE Select); coding-DNA position 2184, one base deleted (T; older notation c.2184delT).
Protein change: p.Leu729fs; shifts the reading frame from leucine 729.
Molecular consequence: frameshift variant. On other transcripts: non-coding transcript variant (1).
Genome position (GRCh38, 1-based): chr7:5,978,687, A deleted on the plus strand (T on the coding strand, the reverse complement: PMS2 is on the minus strand). VCF-style (leftmost placement, unchanged base first): chr7-5978686-GA-G. GRCh37 (hg19) VCF-style: chr7-6018317-GA-G.
Other names: c.1779del, p.Leu594fs (NM_001322003.2, NM_001322004.2, NM_001322005.2 and 1 more transcripts); c.2028del, p.Leu677fs (NM_001322006.2); c.1866del, p.Leu623fs (NM_001322007.2, NM_001322008.2); c.1623del, p.Leu542fs (NM_001322010.2); c.1251del, p.Leu418fs (NM_001322011.2, NM_001322012.2); c.1611del, p.Leu538fs (NM_001322013.2); c.2184del, p.Leu729fs (NM_001322014.2); c.1875del, p.Leu626fs (NM_001322015.2); short protein forms L538fs, L594fs, L677fs, L729fs, L542fs, L418fs, L623fs, L626fs.
Identifiers: ClinVar variation 434030 (VCV000434030.2), dbSNP rs1554294505, ClinGen allele CA645372438.
Genomic context (GRCh38, chr7:5,978,686, plus strand): 5'-TCTTTCTAAATATTTCCAGATTTTCTATCAGAACAGCTTCATTAACAGCAGTTAAGTTGA[GA>G]GTCTGAGGTCTGAAAAACACAAAAATGATTCAAACCATATCCTGAAGTCAAACATTTAGC-3'